The following is an entry in ClinVar:

NM_005076.5(CNTN2):c.849G>C (p.Gln283His)

Gene: CNTN2 (contactin 2; plus strand). Cytogenetic location: 1q32.1.
Variant type: single nucleotide variant.
Coding change: c.849G>C on transcript NM_005076.5 (MANE Select); coding-DNA position 849, G replaced by C.
Protein change: p.Gln283His; replaces glutamine 283 with histidine.
Molecular consequence: missense variant. On other transcripts: non-coding transcript variant (1).
Genome position (GRCh38, 1-based): chr1:205,061,296, G>C. VCF-style: chr1-205061296-G-C. GRCh37 (hg19) VCF-style: chr1-205030424-G-C.
Other names: c.849G>C, p.Gln283His (NM_001346083.2); c.849G>C (NM_005076.3); short protein forms Q283H.
Identifiers: ClinVar variation 2141258 (VCV002141258.5), dbSNP rs1653965834, ClinGen allele CA344409252.

ClinVar aggregate classification (germline): Uncertain significance. Review status: criteria provided, multiple submitters, no conflicts (2 of 4 stars). 2 submissions from 2 submitters: Uncertain significance (2). Last evaluated 2026-02-02.

Conditions:
Epilepsy, familial adult myoclonic, 5 (EPEO5). Also called: CORTICAL MYOCLONIC TREMOR WITH EPILEPSY, FAMILIAL, 5. Identifiers: Orphanet 86814, MedGen C3809374, MONDO:0014167, OMIM 615400.

Allele frequency attached by ClinVar (database versions not stated): gnomAD exomes 0.00001.
gnomAD v4.1: 20 of 1,614,110 alleles (0.0012%); highest among the groups gnomAD compares: Non-Finnish European, 0.0017%; no homozygotes.

Submissions (2):

Labcorp Genetics (formerly Invitae), Labcorp
Classification: Uncertain significance for Epilepsy, familial adult myoclonic, 5. Last evaluated: 2026-02-02. Review status: criteria provided, single submitter. Criteria: Invitae Variant Classification Sherloc (09022015). Collection method: clinical testing. Allele origin: germline.
Comment: This sequence change replaces glutamine, which is neutral and polar, with histidine, which is basic and polar, at codon 283 of the CNTN2 protein (p.Gln283His). This variant is not present in population databases (gnomAD no frequency). This variant has not been reported in the literature in individuals affected with CNTN2-related conditions. ClinVar contains an entry for this variant (Variation ID: 2141258). Invitae Evidence Modeling of protein sequence and biophysical properties (such as structural, functional, and spatial information, amino acid conservation, physicochemical variation, residue mobility, and thermodynamic stability) indicates that this missense variant is not expected to disrupt CNTN2 protein function with a negative predictive value of 95%. In summary, the available evidence is currently insufficient to determine the role of this variant in disease. Therefore, it has been classified as a Variant of Uncertain Significance.

Ambry Genetics
Classification: Uncertain significance. Last evaluated: 2021-12-02. Review status: criteria provided, single submitter. Criteria: Ambry Variant Classification Scheme 2023. Collection method: clinical testing. Allele origin: germline.